The following is an entry in ClinVar:

NM_021942.6(TRAPPC11):c.2708A>G (p.Glu903Gly)

Gene: TRAPPC11 (trafficking protein particle complex subunit 11; plus strand). Cytogenetic location: 4q35.1.
Variant type: single nucleotide variant.
Coding change: c.2708A>G on transcript NM_021942.6 (MANE Select); coding-DNA position 2708, A replaced by G.
Protein change: p.Glu903Gly; replaces glutamic acid 903 with glycine.
Molecular consequence: missense variant.
Genome position (GRCh38, 1-based): chr4:183,697,692, A>G. VCF-style: chr4-183697692-A-G. GRCh37 (hg19) VCF-style: chr4-184618845-A-G.
Other names: c.2708A>G, p.Glu903Gly (NM_199053.3); short protein forms E903G.
Identifiers: ClinVar variation 572918 (VCV000572918.9), dbSNP rs1398795151, ClinGen allele CA358872931.

ClinVar aggregate classification (germline): Uncertain significance. Review status: criteria provided, multiple submitters, no conflicts (2 of 4 stars). 3 submissions from 3 submitters: Uncertain significance (3). Last evaluated 2022-01-31.

Conditions:
Autosomal recessive limb-girdle muscular dystrophy type R18 (LGMDR18). Also called: Autosomal recessive limb-girdle muscular dystrophy type 2S; Limb-girdle muscular dystrophy, type 2S; MUSCULAR DYSTROPHY, LIMB-GIRDLE, AUTOSOMAL RECESSIVE 18. Identifiers: Orphanet 369840, MedGen C4517996, MONDO:0014144, OMIM 615356.

Allele frequency attached by ClinVar (database versions not stated): gnomAD exomes below 0.00001 and 0.00001; gnomAD 0.00001; TOPMed 0.00002.
gnomAD v4.1: 14 of 1,613,948 alleles (0.00087%); highest among the groups gnomAD compares: Non-Finnish European, 0.0012%; no homozygotes.

Submissions (3):

GeneDx
Classification: Uncertain significance. Last evaluated: 2022-01-31. Review status: criteria provided, single submitter. Criteria: GeneDx Variant Classification Process June 2021. Collection method: clinical testing. Allele origin: germline. Affected: yes.
Comment: Not observed at significant frequency in large population cohorts (gnomAD); In silico analysis supports that this missense variant has a deleterious effect on protein structure/function; Has not been previously published as pathogenic or benign to our knowledge

Labcorp Genetics (formerly Invitae), Labcorp
Classification: Uncertain significance for Autosomal recessive limb-girdle muscular dystrophy type R18. Last evaluated: 2021-08-30. Review status: criteria provided, single submitter. Criteria: Invitae Variant Classification Sherloc (09022015). Collection method: clinical testing. Allele origin: germline.
Comment: This sequence change replaces glutamic acid with glycine at codon 903 of the TRAPPC11 protein (p.Glu903Gly). The glutamic acid residue is moderately conserved and there is a moderate physicochemical difference between glutamic acid and glycine. This variant is not present in population databases (ExAC no frequency). This variant has not been reported in the literature in individuals affected with TRAPPC11-related conditions. Algorithms developed to predict the effect of missense changes on protein structure and function (SIFT, PolyPhen-2, Align-GVGD) all suggest that this variant is likely to be tolerated. In summary, the available evidence is currently insufficient to determine the role of this variant in disease. Therefore, it has been classified as a Variant of Uncertain Significance.

Revvity Omics, Revvity
Classification: Uncertain significance for Autosomal recessive limb-girdle muscular dystrophy type R18. Last evaluated: 2019-07-18. Review status: criteria provided, single submitter. Criteria: ACMG Guidelines, 2015. Collection method: clinical testing. Allele origin: germline.